The following is an entry in ClinVar:

ClinVar aggregate classification (germline): Uncertain significance. Review status: criteria provided, multiple submitters, no conflicts (2 of 4 stars). 2 submissions from 2 submitters: Uncertain significance (2). Last evaluated 2020-06-29.

Conditions:
Gorlin syndrome. Also called: Basal cell nevus syndrome; Nevoid Basal Cell Carcinoma Syndrome. Identifiers: Orphanet 377, MedGen C0004779, MONDO:0007187.

Submissions (2):

Labcorp Genetics (formerly Invitae), Labcorp
Classification: Uncertain significance for Gorlin syndrome. Last evaluated: 2020-06-29. Review status: criteria provided, single submitter. Criteria: Invitae Variant Classification Sherloc (09022015). Collection method: clinical testing. Allele origin: germline.
Comment: This sequence change replaces aspartic acid with valine at codon 513 of the PTCH1 protein (p.Asp513Val). The aspartic acid residue is highly conserved and there is a large physicochemical difference between aspartic acid and valine. In summary, the available evidence is currently insufficient to determine the role of this variant in disease. Therefore, it has been classified as a Variant of Uncertain Significance. Algorithms developed to predict the effect of missense changes on protein structure and function are either unavailable or do not agree on the potential impact of this missense change (SIFT: "Deleterious"; PolyPhen-2: "Probably Damaging"; Align-GVGD: "Class C0"). This variant has been observed in individual(s) with clinical features of basal cell nevus syndrome (Invitae). ClinVar contains an entry for this variant (Variation ID: 627586). This variant is not present in population databases (ExAC no frequency).

Center of Genomic medicine, Geneva, University Hospital of Geneva
Classification: Uncertain significance for Gorlin syndrome. Last evaluated: 2018-06-20. Review status: criteria provided, single submitter. Criteria: ACMG Guidelines, 2015. Collection method: clinical testing. Allele origin: germline. Affected: yes.

NM_000264.5(PTCH1):c.1538A>T (p.Asp513Val)

Gene: PTCH1 (patched 1; minus strand). Cytogenetic location: 9q22.32.
Variant type: single nucleotide variant.
Coding change: c.1538A>T on transcript NM_000264.5 (MANE Select); coding-DNA position 1538, A replaced by T.
Protein change: p.Asp513Val; replaces aspartic acid 513 with valine.
Molecular consequence: missense variant. On other transcripts: non-coding transcript variant (1).
Genome position (GRCh38, 1-based): chr9:95,476,823, T>A on the plus strand (A>T on the coding strand, the complement: PTCH1 is on the minus strand). VCF-style: chr9-95476823-T-A. GRCh37 (hg19) VCF-style: chr9-98239105-T-A.
Other names: c.1340A>T, p.Asp447Val (NM_001083602.3); c.1535A>T, p.Asp512Val (NM_001083603.3); c.1085A>T, p.Asp362Val (NM_001083604.3, NM_001083605.3, NM_001083606.3 and 1 more transcripts); c.1382A>T, p.Asp461Val (NM_001354918.2); short protein forms D447V, D513V, D512V, D362V, D461V.
Identifiers: ClinVar variation 627586 (VCV000627586.11), dbSNP rs1564048907, ClinGen allele CA374118286.